The following is an entry in ClinVar:

ClinVar aggregate classification (germline): Benign/Likely benign. Review status: criteria provided, multiple submitters, no conflicts (2 of 4 stars). 5 submissions from 5 submitters: Benign (1); Likely benign (4). Last evaluated 2025-11-25.

Conditions:
Hereditary cancer-predisposing syndrome. Also called: Tumor predisposition; Neoplastic Syndromes, Hereditary; Hereditary Cancer Syndrome; Hereditary neoplastic syndrome. Identifiers: Orphanet 140162, MedGen C0027672, MeSH D009386, MONDO:0015356.
Hereditary diffuse gastric adenocarcinoma (HDGC). Also called: DIFFUSE GASTRIC AND LOBULAR BREAST CANCER SYNDROME. Identifiers: Orphanet 26106, MedGen C1708349, MONDO:0007648, OMIM 137215.

Submissions (5):

Labcorp Genetics (formerly Invitae), Labcorp
Classification: Likely benign for Hereditary diffuse gastric adenocarcinoma. Last evaluated: 2025-11-25. Review status: criteria provided, single submitter. Criteria: Invitae Variant Classification Sherloc (09022015). Collection method: clinical testing. Allele origin: germline.

Myriad Genetics, Inc.
Classification: Benign for Hereditary diffuse gastric adenocarcinoma. Last evaluated: 2024-09-19. Review status: criteria provided, single submitter. Criteria: Myriad Autosomal Dominant, Autosomal Recessive and X-Linked Classification Criteria (2023). Collection method: clinical testing. Allele origin: unknown.
Comment: This variant is considered benign. This variant is a silent/synonymous amino acid change and it is not expected to impact splicing.

Color Diagnostics, LLC DBA Color Health
Classification: Likely benign for Hereditary cancer-predisposing syndrome. Last evaluated: 2020-12-08. Review status: criteria provided, single submitter. Criteria: ACMG Guidelines, 2015. Collection method: clinical testing. Allele origin: germline.

Women's Health and Genetics/Laboratory Corporation of America, LabCorp
Classification: Likely benign. Last evaluated: 2019-08-28. Review status: criteria provided, single submitter. Criteria: LabCorp Variant Classification Summary - May 2015. Collection method: clinical testing. Allele origin: germline.

Ambry Genetics
Classification: Likely benign for Hereditary cancer-predisposing syndrome. Last evaluated: 2018-02-28. Review status: criteria provided, single submitter. Criteria: Ambry Variant Classification Scheme 2023. Collection method: clinical testing. Allele origin: germline.

NM_004360.5(CDH1):c.1692A>T (p.Leu564=)

Gene: CDH1 (cadherin 1; plus strand). Cytogenetic location: 16q22.1.
Variant type: single nucleotide variant.
Coding change: c.1692A>T on transcript NM_004360.5 (MANE Select); coding-DNA position 1692, A replaced by T.
Protein change: p.Leu564=; no amino-acid change (leucine 564 retained).
Molecular consequence: synonymous variant. On other transcripts: intron variant (1).
Genome position (GRCh38, 1-based): chr16:68,819,406, A>T. VCF-style: chr16-68819406-A-T. GRCh37 (hg19) VCF-style: chr16-68853309-A-T.
Other names: c.1692A>T (LRG_301t1); c.1509A>T, p.Leu503= (NM_001317184.2); c.144A>T, p.Leu48= (NM_001317185.2); c.-254-2595A>T (NM_001317186.2).
Identifiers: ClinVar variation 414042 (VCV000414042.20), dbSNP rs1060504168, ClinGen allele CA16615396.